The following is an entry in ClinVar:

NM_001242896.3(DEPDC5):c.1459C>G (p.Arg487Gly)

Gene: DEPDC5 (DEP domain containing 5, GATOR1 subcomplex subunit; plus strand). Cytogenetic location: 22q12.3.
Variant type: single nucleotide variant.
Coding change: c.1459C>G on transcript NM_001242896.3 (MANE Select); coding-DNA position 1459, C replaced by G.
Protein change: p.Arg487Gly; replaces arginine 487 with glycine.
Molecular consequence: missense variant. On other transcripts: non-coding transcript variant (5).
Genome position (GRCh38, 1-based): chr22:31,815,005, C>G. VCF-style: chr22-31815005-C-G. GRCh37 (hg19) VCF-style: chr22-32210991-C-G.
Other names: c.1459C>G, p.Arg487Gly (NM_001007188.4, NM_001136029.4, NM_001242897.2 and 7 more transcripts); c.1375C>G, p.Arg459Gly (NM_001369901.1, NM_001369902.1); short protein forms R459G, R487G.
Identifiers: ClinVar variation 1044457 (VCV001044457.8), dbSNP rs587777459, ClinGen allele CA10196388.

ClinVar aggregate classification (germline): Uncertain significance (1 of 4 stars; one submission).

Conditions:
Familial focal epilepsy with variable foci (FPEVF). Identifiers: Orphanet 98820, MedGen C1858477, MONDO:0020310.

Allele frequency attached by ClinVar (database versions not stated): ExAC 0.00002; gnomAD exomes 0.00002; TOPMed 0.00002.
gnomAD v4.1: 5 of 1,614,032 alleles (0.00031%); highest among the groups gnomAD compares: Admixed American, 0.0083%; no homozygotes.

Submission:

Labcorp Genetics (formerly Invitae), Labcorp
Classification: Uncertain significance for Familial focal epilepsy with variable foci. Last evaluated: 2023-01-08. Review status: criteria provided, single submitter. Criteria: Invitae Variant Classification Sherloc (09022015). Collection method: clinical testing. Allele origin: germline.
Comment: This sequence change replaces arginine, which is basic and polar, with glycine, which is neutral and non-polar, at codon 487 of the DEPDC5 protein (p.Arg487Gly). This variant is present in population databases (rs587777459, gnomAD 0.01%). This variant has not been reported in the literature in individuals affected with DEPDC5-related conditions. ClinVar contains an entry for this variant (Variation ID: 1044457). Algorithms developed to predict the effect of missense changes on protein structure and function are either unavailable or do not agree on the potential impact of this missense change (SIFT: "Tolerated"; PolyPhen-2: "Not Available"; Align-GVGD: "Class C0"). In summary, the available evidence is currently insufficient to determine the role of this variant in disease. Therefore, it has been classified as a Variant of Uncertain Significance.